The following is an entry in ClinVar:

ClinVar aggregate classification (germline): Likely pathogenic (1 of 4 stars; one submission).

Conditions:
Hereditary hyperferritinemia with congenital cataracts. Also called: Hereditary hyperferritinemia cataract syndrome; Bonneau-Beaumont syndrome; HYPERFERRITINEMIA WITH OR WITHOUT CATARACT. Identifiers: Orphanet 163, MedGen C1833213, MONDO:0010952, OMIM 600886.
Neuroferritinopathy (NBIA3). Also called: NEURODEGENERATION WITH BRAIN IRON ACCUMULATION 3; BASAL GANGLIA DISEASE, ADULT-ONSET. Identifiers: Orphanet 157846, MedGen C1853578, MONDO:0011638, OMIM 606159.

Submission:

Labcorp Genetics (formerly Invitae), Labcorp
Classification: Likely pathogenic for Neuroferritinopathy; Hereditary hyperferritinemia with congenital cataracts. Last evaluated: 2024-10-28. Review status: criteria provided, single submitter. Criteria: Invitae Variant Classification Sherloc (09022015). Collection method: clinical testing. Allele origin: germline.
Comment: This variant occurs in a non-coding region of the FTL gene. It does not change the encoded amino acid sequence of the FTL protein. This variant is not present in population databases (gnomAD no frequency). This variant has been observed in individuals with hyperferritinemia-cataract syndrome (PMID: 12730114; internal data). It has also been observed to segregate with disease in related individuals. This variant is also known as 47G>A. ClinVar contains an entry for this variant (Variation ID: 2138316). Experimental studies and prediction algorithms are not available or were not evaluated, and the functional significance of this variant is currently unknown. In summary, the currently available evidence indicates that the variant is pathogenic, but additional data are needed to prove that conclusively. Therefore, this variant has been classified as Likely Pathogenic.

Literature cited by the submitters: PubMed 12730114.

NM_000146.4(FTL):c.-153G>A

Gene: FTL (ferritin light chain; plus strand). Cytogenetic location: 19q13.33.
Variant type: single nucleotide variant.
Coding change: c.-153G>A on transcript NM_000146.4 (MANE Select); 153 bases upstream of the start codon, G replaced by A.
Molecular consequence: 5 prime UTR variant.
Genome position (GRCh38, 1-based): chr19:48,965,355, G>A. VCF-style: chr19-48965355-G-A. GRCh37 (hg19) VCF-style: chr19-49468612-G-A.
Identifiers: ClinVar variation 2138316 (VCV002138316.4), dbSNP rs2122429855, ClinGen allele CA2580097494.